The following is an entry in ClinVar:

ClinVar aggregate classification (germline): Uncertain significance (1 of 4 stars; one submission).

Conditions:
Intellectual disability, CASK-related, X-linked. Identifiers: MedGen CN043158.

gnomAD v4.1: 2 of 1,146,146 alleles (0.00017%); highest among the groups gnomAD compares: Non-Finnish European, 0.00024%; no homozygotes.

Submission:

Labcorp Genetics (formerly Invitae), Labcorp
Classification: Uncertain significance for Intellectual disability, CASK-related, X-linked. Last evaluated: 2025-12-21. Review status: criteria provided, single submitter. Criteria: Invitae Variant Classification Sherloc (09022015). Collection method: clinical testing. Allele origin: germline.
Comment: This sequence change replaces arginine, which is basic and polar, with glutamine, which is neutral and polar, at codon 61 of the CASK protein (p.Arg61Gln). The frequency data for this variant in the population databases is considered unreliable, as metrics indicate poor data quality at this position in the gnomAD database. This variant has not been reported in the literature in individuals affected with CASK-related conditions. Invitae Evidence Modeling of protein sequence and biophysical properties (such as structural, functional, and spatial information, amino acid conservation, physicochemical variation, residue mobility, and thermodynamic stability) indicates that this missense variant is not expected to disrupt CASK protein function with a negative predictive value of 80%. In summary, the available evidence is currently insufficient to determine the role of this variant in disease. Therefore, it has been classified as a Variant of Uncertain Significance.

NM_001367721.1(CASK):c.182G>A (p.Arg61Gln)

Gene: CASK (calcium/calmodulin dependent serine protein kinase; minus strand). Cytogenetic location: Xp11.4.
Variant type: single nucleotide variant.
Coding change: c.182G>A on transcript NM_001367721.1 (MANE Select); coding-DNA position 182, G replaced by A.
Protein change: p.Arg61Gln; replaces arginine 61 with glutamine.
Molecular consequence: missense variant.
Genome position (GRCh38, 1-based): chrX:41,787,274, C>T on the plus strand (G>A on the coding strand, the complement: CASK is on the minus strand). VCF-style: chrX-41787274-C-T. GRCh37 (hg19) VCF-style: chrX-41646527-C-T.
Other names: c.182G>A, p.Arg61Gln (NM_001126054.3, NM_001126055.3, NM_001410745.1 and 1 more transcripts); short protein forms R61Q.
Identifiers: ClinVar variation 4746464 (VCV004746464.1).